The following is an entry in ClinVar:

NM_000414.4(HSD17B4):c.296dup (p.Asn99fs)

Gene: HSD17B4 (hydroxysteroid 17-beta dehydrogenase 4; plus strand). Cytogenetic location: 5q23.1.
Variant type: Duplication.
Coding change: c.296dup on transcript NM_000414.4 (MANE Select); coding-DNA position 296, one base duplicated (A; older notation c.296dupA).
Protein change: p.Asn99fs; shifts the reading frame from asparagine 99.
Molecular consequence: frameshift variant. On other transcripts: 5 prime UTR variant (1).
Genome position (GRCh38, 1-based): chr5:119,475,721, A duplicated; the last of 2 consecutive A bases (chr5:119,475,720-119,475,721); duplicating either gives the same sequence. VCF-style (leftmost placement, unchanged base first): chr5-119475719-C-CA. GRCh37 (hg19) VCF-style: chr5-118811414-C-CA.
Other names: c.371dup, p.Asn124fs (NM_001199291.3); c.242dup, p.Asn81fs (NM_001199292.2); c.224dup, p.Asn75fs (NM_001292027.2); c.-116dup (NM_001292028.2); short protein forms N124fs, N81fs, N75fs, N99fs.
Identifiers: ClinVar variation 370669 (VCV000370669.12), dbSNP rs1057516672, ClinGen allele CA16040960.

ClinVar aggregate classification (germline): Pathogenic. Review status: criteria provided, single submitter (1 of 4 stars). 3 submissions from 3 submitters: Pathogenic (1). 2 of the submissions do not count toward it. Last evaluated 2023-01-13.

Conditions:
Bifunctional peroxisomal enzyme deficiency (DBIF). Also called: DBP DEFICIENCY; PBFE DEFICIENCY; D-bifunctional protein deficiency. Identifiers: Orphanet 300, MedGen C0342870, MONDO:0009855, OMIM 261515. Disease mechanism: loss of function.
Perrault syndrome. Also called: Gonadal dysgenesis with auditory dysfunction, autosomal recessive inheritance. Identifiers: Orphanet 2855, MedGen C0685838, MONDO:0017312.

Submissions (3):

Labcorp Genetics (formerly Invitae), Labcorp
Classification: Pathogenic for Perrault syndrome; Bifunctional peroxisomal enzyme deficiency. Last evaluated: 2023-01-13. Review status: criteria provided, single submitter. Criteria: Invitae Variant Classification Sherloc (09022015). Collection method: clinical testing. Allele origin: germline.
Comment: For these reasons, this variant has been classified as Pathogenic. ClinVar contains an entry for this variant (Variation ID: 370669). This premature translational stop signal has been observed in individual(s) with D-bifunctional protein deficiency (PMID: 23100014). This variant is not present in population databases (gnomAD no frequency). This sequence change creates a premature translational stop signal (p.Asn99Lysfs*12) in the HSD17B4 gene. It is expected to result in an absent or disrupted protein product. Loss-of-function variants in HSD17B4 are known to be pathogenic (PMID: 11810648, 16385454, 20673864).

Mayo Clinic Laboratories, Mayo Clinic
Classification: Likely pathogenic. Last evaluated: 2018-02-07. Review status: no assertion criteria provided. Collection method: clinical testing. Allele origin: unknown. Not counted in ClinVar's aggregate classification.

Counsyl
Classification: Likely pathogenic for Bifunctional peroxisomal enzyme deficiency. Last evaluated: 2016-03-24. Review status: no assertion criteria provided. Collection method: clinical testing. Allele origin: unknown. Not counted in ClinVar's aggregate classification.

Literature cited by the submitters: PubMed 23100014 (cited by Labcorp Genetics (formerly Invitae), Labcorp and Counsyl); PubMed 11810648 (cited by Labcorp Genetics (formerly Invitae), Labcorp); PubMed 16385454 (cited by Labcorp Genetics (formerly Invitae), Labcorp); PubMed 20673864 (cited by Labcorp Genetics (formerly Invitae), Labcorp).